The following is an entry in ClinVar:

ClinVar aggregate classification (germline): Uncertain significance (1 of 4 stars; one submission).

Submission:

Labcorp Genetics (formerly Invitae), Labcorp
Classification: Uncertain significance. Last evaluated: 2024-06-26. Review status: criteria provided, single submitter. Criteria: Invitae Variant Classification Sherloc (09022015). Collection method: clinical testing. Allele origin: germline.
Comment: This sequence change affects the initiator methionine of the RPL19 mRNA. The next in-frame methionine is located at codon 3. This variant is not present in population databases (gnomAD no frequency). This variant has not been reported in the literature in individuals affected with RPL19-related conditions. In summary, the available evidence is currently insufficient to determine the role of this variant in disease. Therefore, it has been classified as a Variant of Uncertain Significance.

NM_000981.4(RPL19):c.3G>A (p.Met1Ile)

Gene: RPL19 (ribosomal protein L19; plus strand). Cytogenetic location: 17q12.
Variant type: single nucleotide variant.
Coding change: c.3G>A on transcript NM_000981.4 (MANE Select); coding-DNA position 3, G replaced by A.
Protein change: p.Met1Ile; changes the start codon (methionine 1).
Molecular consequence: missense variant, initiator codon variant. On other transcripts: 5 prime UTR variant (1).
Genome position (GRCh38, 1-based): chr17:39,200,347, G>A. VCF-style: chr17-39200347-G-A. GRCh37 (hg19) VCF-style: chr17-37356600-G-A.
Other names: c.-398G>A (NM_001330200.1); short protein forms M1I.
Identifiers: ClinVar variation 3712134 (VCV003712134.2).
Genomic context (GRCh38, chr17:39,200,347, plus strand): 5'-ATAATGGGAGGAGCCGGGCCCGAGCGAGCTCTTTCCTTTCGCTGCTGCGGCCGCAGCCAT[G>A]AGGTGAGGGCGAGCTGGTCTCCATCAGGCGCTGACGCGTGTCGACAAGGGACTGTCGGTC-3'
Protein context (NP_000972.1, residues 1-11): [Met1Ile]SMLRLQKRLA